The following is an entry in ClinVar:

NM_024312.5(GNPTAB):c.571+12T>C

Gene: GNPTAB (N-acetylglucosamine-1-phosphate transferase subunits alpha and beta; minus strand). Cytogenetic location: 12q23.2.
Variant type: single nucleotide variant.
Coding change: c.571+12T>C on transcript NM_024312.5 (MANE Select); 12 bases into the intron after coding-DNA position 571, T replaced by C.
Molecular consequence: intron variant.
Genome position (GRCh38, 1-based): chr12:101,786,000, A>G on the plus strand (T>C on the coding strand, the complement: GNPTAB is on the minus strand). VCF-style: chr12-101786000-A-G. GRCh37 (hg19) VCF-style: chr12-102179778-A-G.
Identifiers: ClinVar variation 306815 (VCV000306815.13), dbSNP rs112056979, ClinGen allele CA6746854.

ClinVar aggregate classification (germline): Benign/Likely benign. Review status: criteria provided, multiple submitters, no conflicts (2 of 4 stars). 4 submissions from 3 submitters: Benign (1); Likely benign (3). Last evaluated 2026-01-25.

Conditions:
Mucolipidosis type II. Also called: ML II ALPHA/BETA; Mucolipidosis 2; ML 2; Inclusion cell disease; Leroy Disease; N-acetylglucosamine 1phosphotransferase deficiency. Identifiers: Orphanet 576, MedGen C2673377, MONDO:0009650, OMIM 252500.
Pseudo-Hurler polydystrophy. Also called: ML III; ML III ALPHA/BETA; MUCOLIPIDOSIS IIIA; ML IIIA; Mucolipidosis III Alpha/Beta; Type III Mucolipidosis. Identifiers: Orphanet 423461, Orphanet 577, MedGen C0033788, MONDO:0018931, OMIM 252600.

Allele frequency attached by ClinVar (database versions not stated): gnomAD exomes 0.00020 and 0.00045; ExAC 0.00052; 1000 Genomes Project 0.00100; 1000 Genomes Project 30x 0.00109; gnomAD 0.00207 and 0.00227; TOPMed 0.00229; ESP Exome Variant Server 0.00269.
gnomAD v4.1: 599 of 1,581,682 alleles (0.038%); highest among the groups gnomAD compares: African/African-American, 0.75%; no homozygotes.

Submissions (4):

Labcorp Genetics (formerly Invitae), Labcorp
Classification: Benign for Pseudo-Hurler polydystrophy; Mucolipidosis type II. Last evaluated: 2026-01-25. Review status: criteria provided, single submitter. Criteria: Invitae Variant Classification Sherloc (09022015). Collection method: clinical testing. Allele origin: germline.

Blueprint Genetics
Classification: Likely benign. Last evaluated: 2024-05-29. Review status: criteria provided, single submitter. Criteria: ACMG Guidelines, 2015. Collection method: clinical testing. Allele origin: germline.

Illumina Laboratory Services, Illumina
Classification: Likely benign for Mucolipidosis type II. Last evaluated: 2018-01-13. Review status: criteria provided, single submitter. Criteria: ICSL Variant Classification Criteria 13 December 2019. Collection method: clinical testing. Allele origin: germline.
Comment: This variant was observed in the ICSL laboratory as part of a predisposition screen in an ostensibly healthy population. It had not been previously curated by ICSL or reported in the Human Gene Mutation Database (HGMD: prior to June 1st, 2018), and was therefore a candidate for classification through an automated scoring system. Utilizing variant allele frequency, disease prevalence and penetrance estimates, and inheritance mode, an automated score was calculated to assess if this variant is too frequent to cause the disease. Based on the score and internal cut-off values, a variant classified as likely benign is not then subjected to further curation. The score for this variant resulted in a classification of likely benign for this disease.

Illumina Laboratory Services, Illumina
Classification: Likely benign for Pseudo-Hurler polydystrophy. Last evaluated: 2018-01-13. Review status: criteria provided, single submitter. Criteria: ICSL Variant Classification Criteria 13 December 2019. Collection method: clinical testing. Allele origin: germline.
Comment: the same text as in the submission from Illumina Laboratory Services, Illumina above.